The following is an entry in ClinVar:

ClinVar aggregate classification (germline): Likely benign (1 of 4 stars; one submission).

Submission:

CeGaT Center for Human Genetics Tuebingen
Classification: Likely benign. Last evaluated: 2025-08-01. Review status: criteria provided, single submitter. Criteria: CeGaT Center For Human Genetics Tuebingen Variant Classification Criteria Version 2. Collection method: clinical testing. Allele origin: germline. Affected: yes. Observed: 1 variant allele.
Comment: GPC3: PM2:Supporting, BP4, BP7

NM_004484.4(GPC3):c.111A>G (p.Gln37=)

Gene: GPC3 (glypican 3; minus strand). Cytogenetic location: Xq26.2.
Variant type: single nucleotide variant.
Coding change: c.111A>G on transcript NM_004484.4 (MANE Select); coding-DNA position 111, A replaced by G.
Protein change: p.Gln37=; no amino-acid change (glutamine 37 retained).
Molecular consequence: synonymous variant.
Genome position (GRCh38, 1-based): chrX:133,985,339, T>C on the plus strand (A>G on the coding strand, the complement: GPC3 is on the minus strand). VCF-style: chrX-133985339-T-C. GRCh37 (hg19) VCF-style: chrX-133119366-T-C.
Other names: c.111A>G, p.Gln37= (NM_001164617.2, NM_001164618.2, NM_001164619.2).
Identifiers: ClinVar variation 4084773 (VCV004084773.8).